The following is an entry in ClinVar:

NM_000256.3(MYBPC3):c.1293C>A (p.Asp431Glu)

Gene: MYBPC3 (myosin binding protein C3; minus strand). Cytogenetic location: 11p11.2.
Variant type: single nucleotide variant.
Coding change: c.1293C>A on transcript NM_000256.3 (MANE Select); coding-DNA position 1293, C replaced by A.
Protein change: p.Asp431Glu; replaces aspartic acid 431 with glutamic acid.
Molecular consequence: missense variant.
Genome position (GRCh38, 1-based): chr11:47,343,079, G>T on the plus strand (C>A on the coding strand, the complement: MYBPC3 is on the minus strand). VCF-style: chr11-47343079-G-T. GRCh37 (hg19) VCF-style: chr11-47364630-G-T.
Other names: c.1293C>A, p.Asp431Glu (LRG_386t1); short protein forms D431E.
Identifiers: ClinVar variation 407319 (VCV000407319.7), dbSNP rs763808974, ClinGen allele CA16613588.

ClinVar aggregate classification (germline): Uncertain significance (1 of 4 stars; one submission).

Conditions:
Hypertrophic cardiomyopathy. Also called: HYPERTROPHIC MYOCARDIOPATHY. Identifiers: Orphanet 217569, MedGen C0007194, MeSH D002312, MONDO:0005045, HP:0001639.

Submission:

Labcorp Genetics (formerly Invitae), Labcorp
Classification: Uncertain significance for Hypertrophic cardiomyopathy. Last evaluated: 2016-05-07. Review status: criteria provided, single submitter. Criteria: Invitae Variant Classification Sherloc (09022015). Collection method: clinical testing. Allele origin: germline.
Comment: In summary, this variant is a novel missense change with uncertain impact on protein function. It has been classified as a Variant of Uncertain Significance. Algorithms developed to predict the effect of missense changes on protein structure and function (SIFT, PolyPhen-2, Align-GVGD) all suggest that this variant is likely to be disruptive, but these predictions have not been confirmed by published functional studies. This variant is not present in population databases (ExAC no frequency) and has not been reported in the literature in individuals with a MYBPC3-related disease. This sequence change replaces aspartic acid with glutamic acid at codon 431 of the MYBPC3 protein (p.Asp431Glu). The aspartic acid residue is highly conserved and there is a small physicochemical difference between aspartic acid and glutamic acid.